The following is an entry in ClinVar:

NM_000553.6(WRN):c.1128T>A (p.Asp376Glu)

Gene: WRN (WRN RecQ like helicase; plus strand). Cytogenetic location: 8p12.
Variant type: single nucleotide variant.
Coding change: c.1128T>A on transcript NM_000553.6 (MANE Select); coding-DNA position 1128, T replaced by A.
Protein change: p.Asp376Glu; replaces aspartic acid 376 with glutamic acid.
Molecular consequence: missense variant.
Genome position (GRCh38, 1-based): chr8:31,081,155, T>A. VCF-style: chr8-31081155-T-A. GRCh37 (hg19) VCF-style: chr8-30938671-T-A.
Other names: short protein forms D376E.
Identifiers: ClinVar variation 1352625 (VCV001352625.6), dbSNP rs2130120221, ClinGen allele CA370920863.
Genomic context (GRCh38, chr8:31,081,155, plus strand): 5'-ACATGATGGAGAAGATGTACTTGGAAATAAAGTGGAACGAAAAGAAGATGGATTTGAAGA[T>A]GGAGTAGAAGACAACAAATTGAAAGAGAATATGGAAAGAGCTTGTTTGATGTCGTTAGAT-3'
Protein context (NP_000544.2, residues 366-386): KVERKEDGFE[Asp376Glu]GVEDNKLKEN

ClinVar aggregate classification (germline): Uncertain significance (1 of 4 stars; one submission).

Conditions:
Werner syndrome (WRN). Identifiers: Orphanet 902, MedGen C0043119, MONDO:0010196, OMIM 277700.

Submission:

Labcorp Genetics (formerly Invitae), Labcorp
Classification: Uncertain significance for Werner syndrome. Last evaluated: 2021-05-09. Review status: criteria provided, single submitter. Criteria: Invitae Variant Classification Sherloc (09022015). Collection method: clinical testing. Allele origin: germline.
Comment: In summary, the available evidence is currently insufficient to determine the role of this variant in disease. Therefore, it has been classified as a Variant of Uncertain Significance. Algorithms developed to predict the effect of missense changes on protein structure and function output the following: SIFT: "Not Available"; PolyPhen-2: "Benign"; Align-GVGD: "Not Available". The glutamic acid amino acid residue is found in multiple mammalian species, suggesting that this missense change does not adversely affect protein function. These predictions have not been confirmed by published functional studies and their clinical significance is uncertain. This variant has not been reported in the literature in individuals with WRN-related conditions. This variant is not present in population databases (ExAC no frequency). This sequence change replaces aspartic acid with glutamic acid at codon 376 of the WRN protein (p.Asp376Glu). The aspartic acid residue is weakly conserved and there is a small physicochemical difference between aspartic acid and glutamic acid.